The following is an entry in ClinVar:

ClinVar aggregate classification (germline): Uncertain significance. Review status: criteria provided, single submitter (1 of 4 stars). 2 submissions from 2 submitters: Uncertain significance (1). 1 of the submissions does not count toward it. Last evaluated 2024-02-28.

Conditions:
Southeast Asian ovalocytosis. Also called: Stomatocytic elliptocytosis, hereditary; Ovalocytosis, Malaysian-Melanesian-Filipino type; HE, STOMATOCYTIC; Elliptocytosis 4. Identifiers: Orphanet 98868, MedGen C1862322, MONDO:0008165, OMIM 166900.
Cryohydrocytosis. Also called: CRYOHYDROCYTOSIS DUE TO BAND 3 HEMEL; CRYOHYDROCYTOSIS DUE TO BAND 3 HURSTPIERPOINT; CRYOHYDROCYTOSIS DUE TO BAND 3 BLACKBURN; STOMATOCYTOSIS, COLD-SENSITIVE; Hereditary cryohydrocytosis with normal stomatin. Identifiers: Orphanet 398088, MedGen C1861453, MONDO:0008494, OMIM 185020.
Autosomal dominant distal renal tubular acidosis (DRTA1). Also called: RENAL TUBULAR ACIDOSIS, DISTAL, 1; RTA, CLASSIC TYPE; RTA, DISTAL TYPE, AUTOSOMAL DOMINANT; RTA, GRADIENT TYPE; Renal Tubular Acidosis, Type I. Identifiers: Orphanet 93608, MedGen CN280572, MONDO:0008368, OMIM 179800.
Renal tubular acidosis, distal, 4, with hemolytic anemia. Also called: Renal Tubular Acidosis, Distal, with Hemolytic Anemia. Identifiers: Orphanet 93610, MedGen C5436235, MONDO:0012700, OMIM 611590.
Hereditary spherocytosis type 4. Also called: SLC4A1-Related Spherocytosis. Identifiers: Orphanet 822, MedGen C2675212, MONDO:0012981, OMIM 612653.
Malaria, susceptibility to. Identifiers: Orphanet 673, MedGen C1970028, MONDO:0021024, OMIM 611162.
BLOOD GROUP--FROESE (FR). Also called: FROESE BLOOD GROUP ANTIGEN. Identifiers: MedGen C1832168, OMIM 601551.
BLOOD GROUP--WRIGHT ANTIGEN (WR). Identifiers: MedGen C1862190, OMIM 112050.
BLOOD GROUP--SWANN SYSTEM (SW). Also called: SWANN BLOOD GROUP. Identifiers: MedGen C1832169, OMIM 601550.
BLOOD GROUP--DIEGO SYSTEM (DI). Identifiers: MedGen C1292286, OMIM 110500.
BLOOD GROUP, WALDNER (WD). Also called: WALDNER BLOOD GROUP ANTIGEN. Identifiers: MedGen C1862191, OMIM 112010.
Renal tubular acidosis. Identifiers: MedGen C0001126, MONDO:0001909, HP:0001947.

Allele frequency attached by ClinVar (database versions not stated): TOPMed 0.00002; ExAC 0.00003; gnomAD 0.00001.
gnomAD v4.1: 32 of 1,612,690 alleles (0.002%); highest among the groups gnomAD compares: Middle Eastern, 0.017%; 1 homozygote.

Submissions (2):

Fulgent Genetics
Classification: Uncertain significance for BLOOD GROUP--DIEGO SYSTEM; BLOOD GROUP, WALDNER; BLOOD GROUP--WRIGHT ANTIGEN; Southeast Asian ovalocytosis; Autosomal dominant distal renal tubular acidosis; Cryohydrocytosis; BLOOD GROUP--SWANN SYSTEM; BLOOD GROUP--FROESE; Malaria, susceptibility to; Renal tubular acidosis, distal, 4, with hemolytic anemia; Hereditary spherocytosis type 4. Last evaluated: 2024-02-28. Review status: criteria provided, single submitter. Criteria: ACMG Guidelines, 2015. Collection method: clinical testing. Allele origin: germline.

Sydney Genome Diagnostics, Children's Hospital Westmead
Classification: Uncertain significance for Renal tubular acidosis. Last evaluated: 2018-11-16. Review status: no assertion criteria provided. Collection method: clinical testing. Allele origin: unknown. Affected: yes. Observed: 1 variant allele, 1 heterozygote. Not counted in ClinVar's aggregate classification.
Comment: This variant has been reported in the gnomAD browser with very low allele frequency of 0.002% (7 out of 272,598 alleles). To our knowledge, this variant has not been previously reported in the literature or any disease specific databases. In silico analysis of pathogenicity (through Alamut Visual v2.8.1) using PolyPhen2, SIFT and MutationTaster suggested that this variant does not affect protein function. However, this analysis alone cannot be used to exclude pathogenicity. This variant is considered to be a variant of uncertain significance (VOUS) according to the ACMG guidelines (Evidence used: PM2, BP4).

NM_000342.4(SLC4A1):c.2614G>A (p.Val872Ile)

Gene: SLC4A1 (solute carrier family 4 member 1 (Diego blood group); minus strand). Cytogenetic location: 17q21.31.
Variant type: single nucleotide variant.
Coding change: c.2614G>A on transcript NM_000342.4 (MANE Select); coding-DNA position 2614, G replaced by A.
Protein change: p.Val872Ile; replaces valine 872 with isoleucine.
Molecular consequence: missense variant.
Genome position (GRCh38, 1-based): chr17:44,251,200, C>T on the plus strand (G>A on the coding strand, the complement: SLC4A1 is on the minus strand). VCF-style: chr17-44251200-C-T. GRCh37 (hg19) VCF-style: chr17-42328568-C-T.
Other names: short protein forms V872I.
Identifiers: ClinVar variation 988235 (VCV000988235.3), dbSNP rs747337202, ClinGen allele CA8599989.